The following is an entry in ClinVar:

ClinVar aggregate classification (germline): Uncertain significance. Review status: criteria provided, multiple submitters, no conflicts (2 of 4 stars). 3 submissions from 3 submitters: Uncertain significance (3). Last evaluated 2023-01-06.

Conditions:
Congenital disorder of glycosylation, type Ii. Also called: ALG2-CDG; CDG Ii; ALG2-congenital disorder of glycosylation. Identifiers: Orphanet 79326, MedGen C1842836, MONDO:0011933, OMIM 607906.
Congenital myasthenic syndrome 14. Also called: Myasthenic syndrome, congenital, 14, with tubular aggregates. Identifiers: Orphanet 353327, Orphanet 590, MedGen C4015597, MONDO:0014543, OMIM 616228.
Inborn genetic diseases. Identifiers: MedGen C0950123, MeSH D030342.

Allele frequency attached by ClinVar (database versions not stated): gnomAD 0.00001; 1000 Genomes Project 30x 0.00031; gnomAD exomes 0.00001; 1000 Genomes Project 0.00020; TOPMed 0.00002.
gnomAD v4.1: 15 of 1,611,338 alleles (0.00093%); highest among the groups gnomAD compares: African/African-American, 0.0027%; no homozygotes.

Submissions (3):

Ambry Genetics
Classification: Uncertain significance for Inborn genetic diseases. Last evaluated: 2023-01-06. Review status: criteria provided, single submitter. Criteria: Ambry Variant Classification Scheme 2023. Collection method: clinical testing. Allele origin: germline.

Labcorp Genetics (formerly Invitae), Labcorp
Classification: Uncertain significance for Congenital disorder of glycosylation, type Ii; Congenital myasthenic syndrome 14. Last evaluated: 2022-11-29. Review status: criteria provided, single submitter. Criteria: Invitae Variant Classification Sherloc (09022015). Collection method: clinical testing. Allele origin: germline.
Comment: This sequence change replaces serine, which is neutral and polar, with leucine, which is neutral and non-polar, at codon 346 of the ALG2 protein (p.Ser346Leu). In summary, the available evidence is currently insufficient to determine the role of this variant in disease. Therefore, it has been classified as a Variant of Uncertain Significance. Algorithms developed to predict the effect of missense changes on protein structure and function are either unavailable or do not agree on the potential impact of this missense change (SIFT: "Deleterious"; PolyPhen-2: "Probably Damaging"; Align-GVGD: "Class C15"). ClinVar contains an entry for this variant (Variation ID: 1480996). This variant has not been reported in the literature in individuals affected with ALG2-related conditions. This variant is not present in population databases (gnomAD no frequency).

Breakthrough Genomics
Classification: Uncertain significance. Review status: criteria provided, single submitter. Criteria: ACMG Guidelines, 2015. Collection method: not provided. Allele origin: germline. Inheritance: Autosomal recessive inheritance. Affected: yes.

NM_033087.4(ALG2):c.1037C>T (p.Ser346Leu)

Gene: ALG2 (ALG2 alpha-1,3/1,6-mannosyltransferase; minus strand). Cytogenetic location: 9q22.33.
Variant type: single nucleotide variant.
Coding change: c.1037C>T on transcript NM_033087.4 (MANE Select); coding-DNA position 1037, C replaced by T.
Protein change: p.Ser346Leu; replaces serine 346 with leucine.
Molecular consequence: missense variant. On other transcripts: non-coding transcript variant (1).
Genome position (GRCh38, 1-based): chr9:99,218,148, G>A on the plus strand (C>T on the coding strand, the complement: ALG2 is on the minus strand). VCF-style: chr9-99218148-G-A. GRCh37 (hg19) VCF-style: chr9-101980430-G-A.
Other names: c.1037C>T (NM_033087.3); short protein forms S346L.
Identifiers: ClinVar variation 1480996 (VCV001480996.9), dbSNP rs544811110, ClinGen allele CA196852885.
Genomic context (GRCh38, chr9:99,218,148, plus strand): 5'-GGGTCAGGCTCACACAGAAACCCTGTGACACTGTGGTCAATGGACTCCAAGGGTCCACCC[G>A]AATTAACAGCAATGACTGGGCACTGCATGTACATGGCTTCCAGAGGGACAATGCCAAAGT-3'
Protein context (NP_149078.1, residues 336-356): YMQCPVIAVN[Ser346Leu]GGPLESIDHS